The following is an entry in ClinVar:

ClinVar aggregate classification (germline): Pathogenic. Review status: criteria provided, multiple submitters, no conflicts (2 of 4 stars). 2 submissions from 2 submitters: Pathogenic (2). Last evaluated 2025-02-08.

Conditions:
Peroxisome biogenesis disorder. Identifiers: Orphanet 79189, MedGen C1832200, MONDO:0019234. Disease mechanism: loss of function.
Peroxisome biogenesis disorder 9B. Also called: PEX7-Related Refsum Disease; Refsum disease, adult, 2; PEROXISOME BIOGENESIS DISORDER, PEX7-RELATED, ATYPICAL. Identifiers: Orphanet 773, MedGen C2749346, MONDO:0013945, OMIM 614879.

Allele frequency attached by ClinVar (database versions not stated): gnomAD exomes below 0.00001.

Submissions (2):

Myriad Genetics, Inc.
Classification: Pathogenic for Peroxisome biogenesis disorder. Last evaluated: 2025-02-08. Review status: criteria provided, single submitter. Criteria: Myriad Autosomal Dominant, Autosomal Recessive and X-Linked Classification Criteria (2023). Collection method: clinical testing. Allele origin: unknown.
Comment: NM_000288.3(PEX7):c.250dupA(I84Nfs*4) is expected to be pathogenic in the context of PEX7-related disorders. This variant is predicted to lead to an abnormal or absent protein product due to the creation of a premature termination codon in PEX7, a gene where loss-of-function variants are known to be pathogenic. Please note: this variant was assessed in the context of healthy population screening.

Labcorp Genetics (formerly Invitae), Labcorp
Classification: Pathogenic for Peroxisome biogenesis disorder 9B. Last evaluated: 2023-12-04. Review status: criteria provided, single submitter. Criteria: Invitae Variant Classification Sherloc (09022015). Collection method: clinical testing. Allele origin: germline.
Comment: This sequence change creates a premature translational stop signal (p.Ile84Asnfs*4) in the PEX7 gene. It is expected to result in an absent or disrupted protein product. Loss-of-function variants in PEX7 are known to be pathogenic (PMID: 12325024, 12522768, 20301447). This variant is not present in population databases (gnomAD no frequency). This variant has not been reported in the literature in individuals affected with PEX7-related conditions. ClinVar contains an entry for this variant (Variation ID: 2117483). For these reasons, this variant has been classified as Pathogenic.

Literature cited by the submitters: PubMed 12325024 (cited by Labcorp Genetics (formerly Invitae), Labcorp); PubMed 12522768 (cited by Labcorp Genetics (formerly Invitae), Labcorp); PubMed 20301447 (cited by Labcorp Genetics (formerly Invitae), Labcorp).

NM_000288.4(PEX7):c.250dup (p.Ile84fs)

Gene: PEX7 (peroxisomal biogenesis factor 7; plus strand). Cytogenetic location: 6q23.3.
Variant type: Duplication.
Coding change: c.250dup on transcript NM_000288.4 (MANE Select); coding-DNA position 250, one base duplicated (A; older notation c.250dupA).
Protein change: p.Ile84fs; shifts the reading frame from isoleucine 84.
Molecular consequence: frameshift variant.
Genome position (GRCh38, 1-based): chr6:136,826,380, A duplicated. VCF-style (leftmost placement, unchanged base first): chr6-136826379-C-CA. GRCh37 (hg19) VCF-style: chr6-137147517-C-CA.
Other names: c.136dup, p.Ile46Asnfs (NM_001410945.1); short protein forms I84fs.
Identifiers: ClinVar variation 2117483 (VCV002117483.5), dbSNP rs2115131935, ClinGen allele CA2580075090.